The following is an entry in ClinVar:

ClinVar aggregate classification (germline): Uncertain significance (1 of 4 stars; one submission).

Conditions:
Hereditary pheochromocytoma and paraganglioma. Also called: Hereditary pheochromocytoma-paraganglioma; Hereditary Paraganglioma-Pheochromocytoma Syndromes; Hereditary paragangliomas and pheochromocytomas. Identifiers: Orphanet 29072, MedGen C4274332, MONDO:0017366.

Submission:

Labcorp Genetics (formerly Invitae), Labcorp
Classification: Uncertain significance for Hereditary pheochromocytoma and paraganglioma. Last evaluated: 2025-04-27. Review status: criteria provided, single submitter. Criteria: Invitae Variant Classification Sherloc (09022015). Collection method: clinical testing. Allele origin: germline.
Comment: This sequence change replaces aspartic acid, which is acidic and polar, with asparagine, which is neutral and polar, at codon 84 of the MAX protein (p.Asp84Asn). This variant is not present in population databases (gnomAD no frequency). This variant has not been reported in the literature in individuals affected with MAX-related conditions. An algorithm developed to predict the effect of missense changes on protein structure and function (PolyPhen-2) suggests that this variant is likely to be disruptive. In summary, the available evidence is currently insufficient to determine the role of this variant in disease. Therefore, it has been classified as a Variant of Uncertain Significance.

NM_002382.5(MAX):c.250G>A (p.Asp84Asn)

Gene: MAX (MYC associated transcriptional regulator X; minus strand). Cytogenetic location: 14q23.3.
Variant type: single nucleotide variant.
Coding change: c.250G>A on transcript NM_002382.5 (MANE Select); coding-DNA position 250, G replaced by A.
Protein change: p.Asp84Asn; replaces aspartic acid 84 with asparagine.
Molecular consequence: missense variant. On other transcripts: 5 prime UTR variant (6), non-coding transcript variant (7), intron variant (2).
Genome position (GRCh38, 1-based): chr14:65,077,958, C>T on the plus strand (G>A on the coding strand, the complement: MAX is on the minus strand). VCF-style: chr14-65077958-C-T. GRCh37 (hg19) VCF-style: chr14-65544676-C-T.
Other names: c.-25G>A (NM_001320415.2, NM_001407105.1, NM_001407106.1 and 1 more transcripts); c.250G>A, p.Asp84Asn (NM_001407094.1, NM_001407096.1, NM_001407097.1 and 3 more transcripts); c.223G>A, p.Asp75Asn (NM_001407095.1, NM_001407099.1, NM_001407100.1 and 6 more transcripts); c.142G>A, p.Asp48Asn (NM_001407098.1); c.-118G>A (NM_001407111.1, NM_001407112.1); c.144+15750G>A (NM_001271069.2); c.171+15750G>A (NM_197957.4); short protein forms D48N, D84N, D75N.
Identifiers: ClinVar variation 4718377 (VCV004718377.1).